The following is an entry in ClinVar:

ClinVar aggregate classification (germline): Likely benign (1 of 4 stars; one submission).

gnomAD v4.1: 7,634 of 1,611,846 alleles (0.47%); highest among the groups gnomAD compares: Non-Finnish European, 0.54%; 35 homozygotes.

Submission:

CeGaT Center for Human Genetics Tuebingen
Classification: Likely benign. Last evaluated: 2025-09-01. Review status: criteria provided, single submitter. Criteria: CeGaT Center For Human Genetics Tuebingen Variant Classification Criteria Version 2. Collection method: clinical testing. Allele origin: germline. Affected: yes. Observed: 1 variant allele.
Comment: GPR37L1: BP4, BS2

NM_004767.5(GPR37L1):c.1321G>A (p.Gly441Arg)

Gene: GPR37L1 (G protein-coupled receptor 37 like 1; plus strand). Cytogenetic location: 1q32.1.
Variant type: single nucleotide variant.
Coding change: c.1321G>A on transcript NM_004767.5 (MANE Select); coding-DNA position 1321, G replaced by A.
Protein change: p.Gly441Arg; replaces glycine 441 with arginine.
Molecular consequence: missense variant.
Genome position (GRCh38, 1-based): chr1:202,128,431, G>A. VCF-style: chr1-202128431-G-A. GRCh37 (hg19) VCF-style: chr1-202097559-G-A.
Other names: short protein forms G441R.
Identifiers: ClinVar variation 4280749 (VCV004280749.7).
Genomic context (GRCh38, chr1:202,128,431, plus strand): 5'-AGGCCGCTGGGCCAGGCCTTCCTGGACTGCTGCTGCTGCTGCTGCTGTGAGGAGTGCGGC[G>A]GGGCTTCGGAGGCCTCTGCTGCCAATGGGTCGGACAACAAGCTCAAGACCGAGGTGTCCT-3'
Protein context (NP_004758.3, residues 431-451): CCCCCCEECG[Gly441Arg]ASEASAANGS